The following is an entry in ClinVar:

ClinVar aggregate classification (germline): Uncertain significance (1 of 4 stars; one submission).

Conditions:
Encephalopathy, acute, infection-induced (herpes-specific), susceptibility to, 6. Also called: Herpes simplex encephalitis, susceptibility to, 4. Identifiers: Orphanet 1930, MedGen C3553869, MONDO:0013921, OMIM 614850.

Allele frequency attached by ClinVar (database versions not stated): gnomAD exomes 0.00004; 1000 Genomes Project 30x 0.00016; 1000 Genomes Project 0.00020.
gnomAD v4.1: 56 of 1,614,184 alleles (0.0035%); highest among the groups gnomAD compares: Non-Finnish European, 0.002%; no homozygotes.

Submission:

Labcorp Genetics (formerly Invitae), Labcorp
Classification: Uncertain significance for Encephalopathy, acute, infection-induced (herpes-specific), susceptibility to, 6. Last evaluated: 2022-08-19. Review status: criteria provided, single submitter. Criteria: Invitae Variant Classification Sherloc (09022015). Collection method: clinical testing. Allele origin: germline.
Comment: This sequence change replaces leucine, which is neutral and non-polar, with methionine, which is neutral and non-polar, at codon 416 of the TICAM1 protein (p.Leu416Met). This variant is present in population databases (rs201008382, gnomAD 0.03%). This variant has not been reported in the literature in individuals affected with TICAM1-related conditions. Algorithms developed to predict the effect of missense changes on protein structure and function are either unavailable or do not agree on the potential impact of this missense change (SIFT: "Tolerated"; PolyPhen-2: "Probably Damaging"; Align-GVGD: "Class C0"). In summary, the available evidence is currently insufficient to determine the role of this variant in disease. Therefore, it has been classified as a Variant of Uncertain Significance.

NM_182919.4(TICAM1):c.1246C>A (p.Leu416Met)

Gene: TICAM1 (TIR domain containing adaptor molecule 1; minus strand). Cytogenetic location: 19p13.3.
Variant type: single nucleotide variant.
Coding change: c.1246C>A on transcript NM_182919.4 (MANE Select); coding-DNA position 1246, C replaced by A.
Protein change: p.Leu416Met; replaces leucine 416 with methionine.
Molecular consequence: missense variant.
Genome position (GRCh38, 1-based): chr19:4,817,132, G>T on the plus strand (C>A on the coding strand, the complement: TICAM1 is on the minus strand). VCF-style: chr19-4817132-G-T. GRCh37 (hg19) VCF-style: chr19-4817144-G-T.
Other names: c.1204C>A, p.Leu402Met (NM_001385678.1); c.1111C>A, p.Leu371Met (NM_001385679.1); c.604C>A, p.Leu202Met (NM_001385680.1); short protein forms L202M, L371M, L402M, L416M.
Identifiers: ClinVar variation 2105226 (VCV002105226.3), dbSNP rs201008382, ClinGen allele CA9105170.
Genomic context (GRCh38, chr19:4,817,132, plus strand): 5'-GCCCCGGCACCTGGAAATCCTCGCAGAAGGTGGCCCCGTCGGGCACGCCAAGGGCCTCCA[G>T]CTTCTCCCGAACCCGCAGGGCGATGTGTTCGTCTGCCCTGGCGTGGAGGATCACAAAGTT-3'
Protein context (NP_891549.1, residues 406-426): EHIALRVREK[Leu416Met]EALGVPDGAT